The following is an entry in ClinVar:

ClinVar aggregate classification (germline): Uncertain significance. Review status: criteria provided, single submitter (1 of 4 stars). 2 submissions from 2 submitters: Uncertain significance (1). 1 of the submissions does not count toward it. Last evaluated 2024-06-03.

Conditions:
SEMA3F-related disorder. Also called: SEMA3F-related condition.

Allele frequency attached by ClinVar (database versions not stated): ExAC 0.00001; gnomAD 0.00001; TOPMed 0.00002; gnomAD exomes 0.00003.
gnomAD v4.1: 51 of 1,613,354 alleles (0.0032%); highest among the groups gnomAD compares: East Asian, 0.0067%; no homozygotes.

Submissions (2):

Ambry Genetics
Classification: Uncertain significance. Last evaluated: 2024-06-03. Review status: criteria provided, single submitter. Criteria: Ambry Variant Classification Scheme 2023. Collection method: clinical testing. Allele origin: germline.

PreventionGenetics, part of Exact Sciences
Classification: Uncertain significance for SEMA3F-related condition. Last evaluated: 2024-01-22. Review status: no assertion criteria provided. Collection method: clinical testing. Allele origin: germline. Not counted in ClinVar's aggregate classification.
Comment: The SEMA3F c.1811A>G variant is predicted to result in the amino acid substitution p.Asn604Ser. To our knowledge, this variant has not been reported in the literature. This variant is reported in 0.020% of alleles in individuals of East Asian descent in gnomAD. At this time, the clinical significance of this variant is uncertain due to the absence of conclusive functional and genetic evidence.

NM_004186.5(SEMA3F):c.1811A>G (p.Asn604Ser)

Gene: SEMA3F (semaphorin 3F; plus strand). Cytogenetic location: 3p21.31.
Variant type: single nucleotide variant.
Coding change: c.1811A>G on transcript NM_004186.5 (MANE Select); coding-DNA position 1811, A replaced by G.
Protein change: p.Asn604Ser; replaces asparagine 604 with serine.
Molecular consequence: missense variant.
Genome position (GRCh38, 1-based): chr3:50,186,346, A>G. VCF-style: chr3-50186346-A-G. GRCh37 (hg19) VCF-style: chr3-50223779-A-G.
Other names: c.1514A>G, p.Asn505Ser (NM_001318798.2); c.1718A>G, p.Asn573Ser (NM_001318800.2); c.1811A>G (NM_004186.3); short protein forms N505S, N573S, N604S.
Identifiers: ClinVar variation 3031049 (VCV003031049.3), dbSNP rs747580790, ClinGen allele CA2412229.